The following is an entry in ClinVar:

NM_005807.6(PRG4):c.1008_1009del (p.Glu336fs)

Gene: PRG4 (proteoglycan 4; plus strand). Cytogenetic location: 1q31.1.
Variant type: Deletion.
Coding change: c.1008_1009del on transcript NM_005807.6 (MANE Select); coding-DNA positions 1008 to 1009, 2 bases deleted (AA; older notation c.1008_1009delAA).
Protein change: p.Glu336fs; shifts the reading frame from glutamic acid 336.
Molecular consequence: frameshift variant.
Genome position (GRCh38, 1-based): chr1:186,306,727-186,306,728, AA deleted; deleting any 2 consecutive bases within chr1:186,306,726-186,306,728 gives the same sequence; the c. name uses the placement nearest the transcript's 3' end. VCF-style (leftmost placement, unchanged base first): chr1-186306725-GAA-G. GRCh37 (hg19) VCF-style: chr1-186275857-GAA-G.
Other names: c.885_886del, p.Glu295fs (NM_001127708.3); c.729_730del, p.Glu243fs (NM_001127709.3); c.606_607del, p.Glu202fs (NM_001127710.3); c.879_880del, p.Glu293fs (NM_001303232.2); short protein forms E243fs, E336fs, E295fs, E202fs, E293fs.
Identifiers: ClinVar variation 5005402 (VCV005005402.2).

ClinVar aggregate classification (germline): Likely pathogenic (1 of 4 stars; one submission).

Conditions:
Camptodactyly-arthropathy-coxa vara-pericarditis syndrome. Also called: PAC SYNDROME; FIBROSING SEROSITIS, FAMILIAL; Arthropathy camptodactyly syndrome; Pericarditis arthropathy camptodactyly syndrome; Congenital familial hypertrophic synovitis; JACOBS SYNDROME. Identifiers: Orphanet 2848, MedGen C1859690, MONDO:0008828, OMIM 208250.

Submission:

Juno Genomics, Hangzhou Juno Genomics, Inc
Classification: Likely pathogenic for Camptodactyly-arthropathy-coxa vara-pericarditis syndrome. Review status: criteria provided, single submitter. Criteria: ACMG Guidelines, 2015. Collection method: clinical testing. Allele origin: germline.
Comment: Null variant in a gene where loss of function (LOF) is a known mechanism of disease.;Absent from controls (or at extremely low frequency if recessive) in Genome Aggregation Database.